The following is an entry in ClinVar:

NM_001174147.2(LMX1B):c.255G>A (p.Ala85=)

Gene: LMX1B (LIM homeobox transcription factor 1 beta; plus strand). Cytogenetic location: 9q33.3.
Variant type: single nucleotide variant.
Coding change: c.255G>A on transcript NM_001174147.2 (MANE Select); coding-DNA position 255, G replaced by A.
Protein change: p.Ala85=; no amino-acid change (alanine 85 retained).
Molecular consequence: synonymous variant.
Genome position (GRCh38, 1-based): chr9:126,615,498, G>A. VCF-style: chr9-126615498-G-A. GRCh37 (hg19) VCF-style: chr9-129377777-G-A.
Other names: c.255G>A, p.Ala85= (NM_001174146.2, NM_002316.4); c.255G>A (NM_002316.3).
Identifiers: ClinVar variation 1118198 (VCV001118198.12), dbSNP rs763085114, ClinGen allele CA5242256.

ClinVar aggregate classification (germline): Likely benign. Review status: criteria provided, multiple submitters, no conflicts (2 of 4 stars). 3 submissions from 3 submitters: Likely benign (2). 1 of the submissions does not count toward it. Last evaluated 2026-01-04.

Conditions:
LMX1B-related disorder. Also called: LMX1B-related condition.

Allele frequency attached by ClinVar (database versions not stated): ExAC 0.00005.

Submissions (3):

Labcorp Genetics (formerly Invitae), Labcorp
Classification: Likely benign. Last evaluated: 2026-01-04. Review status: criteria provided, single submitter. Criteria: Invitae Variant Classification Sherloc (09022015). Collection method: clinical testing. Allele origin: germline.

Blueprint Genetics
Classification: Likely benign. Last evaluated: 2023-07-03. Review status: criteria provided, single submitter. Criteria: ACMG Guidelines, 2015. Collection method: clinical testing. Allele origin: germline.

PreventionGenetics, part of Exact Sciences
Classification: Likely benign for LMX1B-related condition. Last evaluated: 2021-06-21. Review status: no assertion criteria provided. Collection method: clinical testing. Allele origin: germline. Not counted in ClinVar's aggregate classification.
Comment: This variant is classified as likely benign based on ACMG/AMP sequence variant interpretation guidelines (Richards et al. 2015 PMID: 25741868, with internal and published modifications).